The following is an entry in ClinVar:

NM_017866.6(TMEM70):c.211A>G (p.Ile71Val)

Gene: TMEM70 (transmembrane protein 70; plus strand). Cytogenetic location: 8q21.11.
Variant type: single nucleotide variant.
Coding change: c.211A>G on transcript NM_017866.6 (MANE Select); coding-DNA position 211, A replaced by G.
Protein change: p.Ile71Val; replaces isoleucine 71 with valine.
Molecular consequence: missense variant. On other transcripts: non-coding transcript variant (1).
Genome position (GRCh38, 1-based): chr8:73,978,756, A>G. VCF-style: chr8-73978756-A-G. GRCh37 (hg19) VCF-style: chr8-74890991-A-G.
Other names: c.211A>G, p.Ile71Val (NM_001040613.3); short protein forms I71V.
Identifiers: ClinVar variation 2147946 (VCV002147946.4), dbSNP rs1305293407, ClinGen allele CA371489483.

ClinVar aggregate classification (germline): Uncertain significance (1 of 4 stars; one submission).

Conditions:
Mitochondrial complex V (ATP synthase) deficiency, nuclear type 2. Also called: Nuclear-Encoded ATPase Deficiency, TMEM70-Related; ENCEPHALOCARDIOMYOPATHY, MITOCHONDRIAL, NEONATAL, DUE TO ATP SYNTHASE DEFICIENCY; MITOCHONDRIAL COMPLEX V (ATP SYNTHASE) DEFICIENCY, TMEM70 TYPE. Identifiers: Orphanet 1194, MedGen C3279699, MONDO:0013546, OMIM 614052.

Allele frequency attached by ClinVar (database versions not stated): gnomAD exomes below 0.00001; gnomAD 0.00001; TOPMed 0.00001.
gnomAD v4.1: 7 of 1,613,776 alleles (0.00043%); highest among the groups gnomAD compares: Non-Finnish European, 0.00059%; no homozygotes.

Submission:

Labcorp Genetics (formerly Invitae), Labcorp
Classification: Uncertain significance for Mitochondrial complex V (ATP synthase) deficiency, nuclear type 2. Last evaluated: 2022-06-14. Review status: criteria provided, single submitter. Criteria: Invitae Variant Classification Sherloc (09022015). Collection method: clinical testing. Allele origin: germline.
Comment: In summary, the available evidence is currently insufficient to determine the role of this variant in disease. Therefore, it has been classified as a Variant of Uncertain Significance. Algorithms developed to predict the effect of missense changes on protein structure and function output the following: SIFT: "Tolerated"; PolyPhen-2: "Benign"; Align-GVGD: "Class C0". The valine amino acid residue is found in multiple mammalian species, which suggests that this missense change does not adversely affect protein function. This variant has not been reported in the literature in individuals affected with TMEM70-related conditions. This variant is not present in population databases (gnomAD no frequency). This sequence change replaces isoleucine, which is neutral and non-polar, with valine, which is neutral and non-polar, at codon 71 of the TMEM70 protein (p.Ile71Val).